The following is an entry in ClinVar:

ClinVar aggregate classification (germline): Likely pathogenic. Review status: criteria provided, single submitter (1 of 4 stars). 2 submissions from 2 submitters: Likely pathogenic (1). 1 of the submissions does not count toward it. Last evaluated 2025-02-25.

Conditions:
Familial adenomatous polyposis 1 (FAP1). Also called: POLYPOSIS, ADENOMATOUS INTESTINAL; FAMILIAL ADENOMATOUS POLYPOSIS 1, ATTENUATED. Identifiers: MedGen C2713442, MONDO:0021056, OMIM 175100. Disease mechanism: loss of function.

Submissions (2):

Labcorp Genetics (formerly Invitae), Labcorp
Classification: Likely pathogenic for Familial adenomatous polyposis 1. Last evaluated: 2025-02-25. Review status: criteria provided, single submitter. Criteria: Invitae Variant Classification Sherloc (09022015). Collection method: clinical testing. Allele origin: germline.
Comment: This sequence change affects an acceptor splice site in intron 6 of the APC gene. It is expected to disrupt RNA splicing. Variants that disrupt the donor or acceptor splice site typically lead to a loss of protein function (PMID: 16199547), and loss-of-function variants in APC are known to be pathogenic (PMID: 17963004, 20685668). This variant is not present in population databases (gnomAD no frequency). Disruption of this splice site has been observed in individual(s) with clinical features of familial adenomatous polyposis (PMID: 8990002, 31113927, 34454113). ClinVar contains an entry for this variant (Variation ID: 433609). Algorithms developed to predict the effect of sequence changes on RNA splicing suggest that this variant may disrupt the consensus splice site. In summary, the currently available evidence indicates that the variant is pathogenic, but additional data are needed to prove that conclusively. Therefore, this variant has been classified as Likely Pathogenic.

Department of Pathology and Laboratory Medicine, Sinai Health System
Classification: Pathogenic. Review status: no assertion criteria provided. Collection method: clinical testing. Allele origin: unknown. Affected: yes. Study: The Canadian Open Genetics Repository (COGR). Not counted in ClinVar's aggregate classification.
Comment: The c.646-1G>C variant has not been reported in the literature nor previously identified by our laboratory. This variant is predicted to cause abnormal splicing because the nucleotide substitution occurs in the invariant region of the splice consensus sequence. In addition, in-silico or computational prediction software (SpliceSiteFinder, MaxEntScan, NNSPLICE, GeneSplicer, HumanSpliceFinder) predicts a difference in splicing in 5 of 5 different programs, increasing the likelihood this variant is pathogenic. A different nucleotide change at the same position (c.646-1G>A) has been previously observed in one study in an individual with clinical features of FAP and they demonstrated that this variant abrogates the canonic splice-acceptor site of exon 6, leading to the activation of a cryptic â€šÃ„ÃºAGâ€šÃ„Ã¹ splice-acceptor site by analyses of the cDNA and increasing the likelihood that the c.646-1G>C variant also has a functional consequence (Aceto 2005). Furthermore, this variant is of the type which is expected to cause the disorder. In summary, based on the above information, this variant is classified as Pathogenic.

Literature cited by the submitters: PubMed 16199547 (cited by Labcorp Genetics (formerly Invitae), Labcorp); PubMed 17963004 (cited by Labcorp Genetics (formerly Invitae), Labcorp); PubMed 20685668 (cited by Labcorp Genetics (formerly Invitae), Labcorp); PubMed 8990002 (cited by Labcorp Genetics (formerly Invitae), Labcorp); PubMed 31113927 (cited by Labcorp Genetics (formerly Invitae), Labcorp); PubMed 34454113 (cited by Labcorp Genetics (formerly Invitae), Labcorp).

NM_000038.6(APC):c.646-1G>C

Gene: APC (APC regulator of Wnt signaling pathway; plus strand). Cytogenetic location: 5q22.2.
Variant type: single nucleotide variant.
Coding change: c.646-1G>C on transcript NM_000038.6 (MANE Select); the canonical splice acceptor site of the intron before coding-DNA position 646, G replaced by C.
Molecular consequence: splice acceptor variant. On other transcripts: intron variant (5).
Genome position (GRCh38, 1-based): chr5:112,792,445, G>C. VCF-style: chr5-112792445-G-C. GRCh37 (hg19) VCF-style: chr5-112128142-G-C.
Other names: c.-390-1G>C (NM_001407470.1, NM_001407472.1, NM_001354906.2 and 1 more transcripts); c.646-1G>C (NM_001407447.1, NM_001354895.2, NM_001407456.1 and 12 more transcripts); c.646-8834G>C (NM_001407452.1, NM_001407469.1, NM_001354899.2 and 1 more transcripts); c.676-1G>C (NM_001407446.1, NM_001354897.2, NM_001354902.2); c.676-8834G>C (NM_001127511.3); c.469-1G>C (NM_001407453.1, NM_001354900.2, NM_001354901.2 and 1 more transcripts); c.571-1G>C (NM_001407451.1, NM_001354898.2, NM_001354904.2).
Identifiers: ClinVar variation 433609 (VCV000433609.3), dbSNP rs78847145, ClinGen allele CA360617506.